The following is an entry in ClinVar:

ClinVar aggregate classification (germline): Uncertain significance (1 of 4 stars; one submission).

Conditions:
Progressive familial heart block type IB (PFHB1B). Identifiers: Orphanet 871, MedGen C1970298, MONDO:0011474, OMIM 604559.

Allele frequency attached by ClinVar (database versions not stated): gnomAD 0.00001; TOPMed 0.00001.
gnomAD v4.1: 2 of 1,595,454 alleles (0.00013%); highest among the groups gnomAD compares: African/African-American, 0.0027%; no homozygotes.

Submission:

Labcorp Genetics (formerly Invitae), Labcorp
Classification: Uncertain significance for Progressive familial heart block type IB. Last evaluated: 2024-10-15. Review status: criteria provided, single submitter. Criteria: Invitae Variant Classification Sherloc (09022015). Collection method: clinical testing. Allele origin: germline.
Comment: This sequence change replaces glutamine, which is neutral and polar, with arginine, which is basic and polar, at codon 260 of the TRPM4 protein (p.Gln260Arg). This variant is not present in population databases (gnomAD no frequency). This variant has not been reported in the literature in individuals affected with TRPM4-related conditions. ClinVar contains an entry for this variant (Variation ID: 2062260). An algorithm developed to predict the effect of missense changes on protein structure and function (PolyPhen-2) suggests that this variant is likely to be disruptive. In summary, the available evidence is currently insufficient to determine the role of this variant in disease. Therefore, it has been classified as a Variant of Uncertain Significance.

NM_017636.4(TRPM4):c.779A>G (p.Gln260Arg)

Gene: TRPM4 (transient receptor potential cation channel subfamily M member 4; plus strand). Cytogenetic location: 19q13.33.
Variant type: single nucleotide variant.
Coding change: c.779A>G on transcript NM_017636.4 (MANE Select); coding-DNA position 779, A replaced by G.
Protein change: p.Gln260Arg; replaces glutamine 260 with arginine.
Molecular consequence: missense variant. On other transcripts: 5 prime UTR variant (2).
Genome position (GRCh38, 1-based): chr19:49,168,719, A>G. VCF-style: chr19-49168719-A-G. GRCh37 (hg19) VCF-style: chr19-49671976-A-G.
Other names: c.779A>G, p.Gln260Arg (NM_001195227.2); c.434A>G, p.Gln145Arg (NM_001321281.2); c.-775A>G (NM_001321282.2); c.257A>G, p.Gln86Arg (NM_001321283.2); c.-71A>G (NM_001321285.2); short protein forms Q145R, Q260R, Q86R.
Identifiers: ClinVar variation 2062260 (VCV002062260.4), dbSNP rs1425585197, ClinGen allele CA406792876.